The following is an entry in ClinVar:

NM_001379200.1(TBX1):c.1244G>A (p.Gly415Asp)

Gene: TBX1 (T-box transcription factor 1; plus strand). Cytogenetic location: 22q11.21.
Variant type: single nucleotide variant.
Coding change: c.1244G>A on transcript NM_001379200.1 (MANE Select); coding-DNA position 1244, G replaced by A.
Protein change: p.Gly415Asp; replaces glycine 415 with aspartic acid.
Molecular consequence: missense variant. On other transcripts: intron variant (2).
Genome position (GRCh38, 1-based): chr22:19,766,596, G>A. VCF-style: chr22-19766596-G-A. GRCh37 (hg19) VCF-style: chr22-19754119-G-A.
Other names: c.1217G>A, p.Gly406Asp (NM_080647.1); c.1009+594G>A (NM_005992.1, NM_080646.2); short protein forms G406D, G415D.
Identifiers: ClinVar variation 455789 (VCV000455789.19), dbSNP rs756543718, ClinGen allele CA10102679.

ClinVar aggregate classification (germline): Benign/Likely benign. Review status: criteria provided, multiple submitters, no conflicts (2 of 4 stars). 6 submissions from 6 submitters: Benign (1); Likely benign (4). 1 of the submissions does not count toward it. Last evaluated 2026-03-13.

Conditions:
TBX1-related disorder. Also called: TBX1-Related Disorders; TBX1-related condition.
Cardiovascular phenotype. Identifiers: MedGen CN230736.
DiGeorge syndrome. Also called: THIRD AND FOURTH PHARYNGEAL POUCH SYNDROME; Catch22. Identifiers: Orphanet 567, MedGen C0012236, MONDO:0008564, OMIM 188400.

Allele frequency attached by ClinVar (database versions not stated): gnomAD exomes 0.00033 and 0.00010; ExAC 0.00060; gnomAD 0.00003; TOPMed 0.00012.
gnomAD v4.1: 54 of 1,488,368 alleles (0.0036%); highest among the groups gnomAD compares: Admixed American, 0.11%; no homozygotes.

Submissions (6):

Women's Health and Genetics/Laboratory Corporation of America, LabCorp
Classification: Likely benign. Last evaluated: 2026-03-13. Review status: criteria provided, single submitter. Criteria: LabCorp Variant Classification Summary - May 2015. Collection method: clinical testing. Allele origin: germline.
Comment: Variant summary: TBX1 c.1217G>A (p.Gly406Asp) results in a non-conservative amino acid change in the encoded protein sequence. Algorithms developed to predict the effect of missense changes on protein structure and function are either unavailable or do not agree on the potential impact of this missense change. The variant allele was found at a frequency of 0.00033 in 116340 control chromosomes, predominantly at a frequency of 0.0018 within the Latino subpopulation in the gnomAD database. The observed variant frequency within Latino control individuals in the gnomAD database exceeds the estimated maximal expected allele frequency for disease-causing variants in TBX1. To our knowledge, no occurrence of c.1217G>A in individuals affected with TBX1-related conditions and no experimental evidence demonstrating its impact on protein function have been reported. ClinVar contains an entry for this variant (Variation ID: 455789). Based on the evidence outlined above, the variant was classified as likely benign.

Labcorp Genetics (formerly Invitae), Labcorp
Classification: Likely benign for DiGeorge syndrome. Last evaluated: 2026-01-19. Review status: criteria provided, single submitter. Criteria: Invitae Variant Classification Sherloc (09022015). Collection method: clinical testing. Allele origin: germline.

Ambry Genetics
Classification: Likely benign for Cardiovascular phenotype. Last evaluated: 2022-11-30. Review status: criteria provided, single submitter. Criteria: Ambry Variant Classification Scheme 2023. Collection method: clinical testing. Allele origin: germline.

Athena Diagnostics
Classification: Benign. Last evaluated: 2021-05-24. Review status: criteria provided, single submitter. Criteria: Athena Diagnostics criteria. Collection method: clinical testing. Allele origin: unknown.

GeneDx
Classification: Likely benign. Last evaluated: 2020-04-06. Review status: criteria provided, single submitter. Criteria: GeneDx Variant Classification Process June 2021. Collection method: clinical testing. Allele origin: germline. Affected: yes.
Comment: In silico analysis supports that this missense variant does not alter protein structure/function; Has not been previously published as pathogenic or benign to our knowledge

PreventionGenetics, part of Exact Sciences
Classification: Likely benign for TBX1-related condition. Last evaluated: 2021-04-09. Review status: no assertion criteria provided. Collection method: clinical testing. Allele origin: germline. Not counted in ClinVar's aggregate classification.
Comment: This variant is classified as likely benign based on ACMG/AMP sequence variant interpretation guidelines (Richards et al. 2015 PMID: 25741868, with internal and published modifications).